The following is an entry in ClinVar:

ClinVar aggregate classification (germline): Uncertain significance. Review status: criteria provided, multiple submitters, no conflicts (2 of 4 stars). 4 submissions from 4 submitters: Uncertain significance (4). Last evaluated 2024-11-26.

Conditions:
Potassium-aggravated myotonia. Also called: Myotonia congenita, atypical, acetazolamide-responsive; MYOTONIA CONGENITA, ACETAZOLAMIDE-RESPONSIVE; MYOTONIA CONGENITA, ATYPICAL; SODIUM CHANNEL MUSCLE DISEASE. Identifiers: Orphanet 612, Orphanet 99734, Orphanet 99735, Orphanet 99736, MedGen C2931826, MONDO:0018959, OMIM 608390.
Congenital myasthenic syndrome 16. Identifiers: Orphanet 590, MedGen C3280112, MONDO:0013620, OMIM 614198.
Paramyotonia congenita of Von Eulenburg. Also called: Paramyotonia Congenita; PARALYSIS PERIODICA PARAMYOTONICA; Eulenburg disease; Myotonia congenita intermittens; Von Eulenburg paramyotonia congenita. Identifiers: Orphanet 684, MedGen C0221055, MONDO:0008195, OMIM 168300. Disease mechanism: loss of function.
Hypokalemic periodic paralysis, type 2 (HOKPP2). Identifiers: Orphanet 681, MedGen C2750061, MONDO:0013234, OMIM 613345.
Congenital myopathy 22A, classic (CMYO22A). Identifiers: MedGen C5830453, MONDO:0957247, OMIM 620351.
Congenital myopathy 22B, severe fetal (CMYO22B). Identifiers: MedGen C5830501, MONDO:0957265, OMIM 620369.
Hyperkalemic periodic paralysis. Also called: Familial hyperkalemic periodic paralysis; Gamstorp disease. Identifiers: Orphanet 682, MedGen C0238357, MONDO:0008224, OMIM 170500, HP:0007215.

Allele frequency attached by ClinVar (database versions not stated): gnomAD exomes 0.00004; gnomAD 0.00006 and 0.00005; ExAC 0.00003; TOPMed 0.00007; ESP Exome Variant Server 0.00008.

Submissions (4):

Revvity Omics, Revvity
Classification: Uncertain significance. Last evaluated: 2024-11-26. Review status: criteria provided, single submitter. Criteria: ACMG Guidelines, 2015. Collection method: clinical testing. Allele origin: germline.

Labcorp Genetics (formerly Invitae), Labcorp
Classification: Uncertain significance for Hyperkalemic periodic paralysis. Last evaluated: 2024-06-25. Review status: criteria provided, single submitter. Criteria: Invitae Variant Classification Sherloc (09022015). Collection method: clinical testing. Allele origin: germline.
Comment: This sequence change replaces glycine, which is neutral and non-polar, with arginine, which is basic and polar, at codon 123 of the SCN4A protein (p.Gly123Arg). This variant is present in population databases (rs377572814, gnomAD 0.01%). This variant has not been reported in the literature in individuals affected with SCN4A-related conditions. ClinVar contains an entry for this variant (Variation ID: 970062). Advanced modeling of protein sequence and biophysical properties (such as structural, functional, and spatial information, amino acid conservation, physicochemical variation, residue mobility, and thermodynamic stability) performed at Invitae indicates that this missense variant is not expected to disrupt SCN4A protein function with a negative predictive value of 95%. In summary, the available evidence is currently insufficient to determine the role of this variant in disease. Therefore, it has been classified as a Variant of Uncertain Significance.

Fulgent Genetics
Classification: Uncertain significance for Paramyotonia congenita of Von Eulenburg; Hyperkalemic periodic paralysis; Potassium-aggravated myotonia; Hypokalemic periodic paralysis, type 2; Congenital myasthenic syndrome 16; Congenital myopathy 22A, classic; Congenital myopathy 22B, severe fetal. Last evaluated: 2024-05-08. Review status: criteria provided, single submitter. Criteria: ACMG Guidelines, 2015. Collection method: clinical testing. Allele origin: germline.

Women's Health and Genetics/Laboratory Corporation of America, LabCorp
Classification: Uncertain significance. Last evaluated: 2023-12-12. Review status: criteria provided, single submitter. Criteria: LabCorp Variant Classification Summary - May 2015. Collection method: clinical testing. Allele origin: germline.
Comment: Variant summary: SCN4A c.367G>A (p.Gly123Arg) results in a non-conservative amino acid change in the encoded protein sequence. Four of five in-silico tools predict a benign effect of the variant on protein function. The variant allele was found at a frequency of 4.4e-05 in 248982 control chromosomes (gnomAD). To our knowledge, no occurrence of c.367G>A in individuals affected with Acetazolamide-Responsive Myotonia and no experimental evidence demonstrating its impact on protein function have been reported. Two submitters have cited clinical-significance assessments for this variant to ClinVar after 2014. All submitters classified the variant as uncertain significance. Based on the evidence outlined above, the variant was classified as uncertain significance.

NM_000334.4(SCN4A):c.367G>A (p.Gly123Arg)

Gene: SCN4A (sodium voltage-gated channel alpha subunit 4; minus strand). Cytogenetic location: 17q23.3.
Variant type: single nucleotide variant.
Coding change: c.367G>A on transcript NM_000334.4 (MANE Select); coding-DNA position 367, G replaced by A.
Protein change: p.Gly123Arg; replaces glycine 123 with arginine.
Molecular consequence: missense variant.
Genome position (GRCh38, 1-based): chr17:63,972,377, C>T on the plus strand (G>A on the coding strand, the complement: SCN4A is on the minus strand). VCF-style: chr17-63972377-C-T. GRCh37 (hg19) VCF-style: chr17-62049737-C-T.
Other names: short protein forms G123R.
Identifiers: ClinVar variation 970062 (VCV000970062.11), dbSNP rs377572814, ClinGen allele CA8710194.